The following is an entry in ClinVar:

ClinVar aggregate classification (germline): Likely pathogenic (1 of 4 stars; one submission).

Conditions:
Spinocerebellar ataxia type 2 (SCA2). Also called: CEREBELLAR DEGENERATION WITH SLOW EYE MOVEMENTS; OLIVOPONTOCEREBELLAR ATROPHY II; SPINOCEREBELLAR ATROPHY II. Identifiers: Orphanet 98756, MedGen C0752121, MONDO:0008458, OMIM 183090.

Submission:

3billion
Classification: Likely pathogenic for Spinocerebellar ataxia type 2. Last evaluated: 2023-08-16. Review status: criteria provided, single submitter. Criteria: ACMG Guidelines, 2015. Collection method: clinical testing. Allele origin: germline. Affected: yes.
Comment: The variant is not observed in the gnomAD v2.1.1 dataset. Predicted Consequence/Location: Inframe insertion variant (CAG repeat expansion) over pathogenic range (35). Therefore, the variant is classified as likely pathogenic according to the recommendation of ACMG/AMP guideline.

NM_001372574.1(ATXN2):c.18GCA[38] (p.Gln28_Pro29insGlnGlnGlnGlnGlnGlnGlnGlnGlnGlnGlnGlnGlnGlnGlnGlnGlnGlnGlnGlnGlnGlnGlnGlnGln)

Genes: ATXN2 (ataxin 2; minus strand), LOC130008791 (ATAC-STARR-seq lymphoblastoid silent region 4872; plus strand). Cytogenetic location: 12q24.12.
Variant type: Microsatellite.
Coding change: c.18GCA[38] on transcript NM_001372574.1 (MANE Select); 38 copies in a row of the 3-base unit GCA starting at c.18.
Protein change: p.Gln28_Pro29insGlnGlnGlnGlnGlnGlnGlnGlnGlnGlnGlnGlnGlnGlnGlnGlnGlnGlnGlnGlnGlnGlnGlnGlnGln.
Molecular consequence: inframe insertion. On other transcripts: non-coding transcript variant (1), intron variant (2).
Genome position: GRCh38, VCF-style position (the base before the change): chr12:111,598,978. GRCh37 (hg19), VCF-style position (the base before the change): chr12:112,036,782.
Other names: c.16CAG[38] (NM_001372574.1); c.18GCA[38], p.Gln28_Pro29insGlnGlnGlnGlnGlnGlnGlnGlnGlnGlnGlnGlnGlnGlnGlnGlnGlnGlnGlnGlnGlnGlnGlnGlnGln (NM_002973.4); c.-28+558GCA[38] (NM_001310123.1); c.-65+558GCA[38] (NM_001310121.1).
Identifiers: ClinVar variation 3775779 (VCV003775779.1).